The following is an entry in ClinVar:

ClinVar aggregate classification (germline): Conflicting classifications of pathogenicity. Review status: criteria provided, conflicting classifications (1 of 4 stars). 4 submissions from 4 submitters: Uncertain significance (3); Likely benign (1). Last evaluated 2025-12-03.

Conditions:
Inborn genetic diseases. Identifiers: MedGen C0950123, MeSH D030342.

Allele frequency attached by ClinVar (database versions not stated): ExAC 0.00002; TOPMed 0.00002; gnomAD 0.00004; gnomAD exomes 0.00006.
gnomAD v4.1: 65 of 1,189,565 alleles (0.0055%); highest among the groups gnomAD compares: Middle Eastern, 0.023%; no homozygotes.

Submissions (4):

Labcorp Genetics (formerly Invitae), Labcorp
Classification: Uncertain significance. Last evaluated: 2025-12-03. Review status: criteria provided, single submitter. Criteria: Invitae Variant Classification Sherloc (09022015). Collection method: clinical testing. Allele origin: germline.
Comment: This sequence change replaces threonine, which is neutral and polar, with methionine, which is neutral and non-polar, at codon 1237 of the POLA1 protein (p.Thr1237Met). The frequency data for this variant in the population databases is considered unreliable, as metrics indicate poor data quality at this position in the gnomAD database. This variant has not been reported in the literature in individuals affected with POLA1-related conditions. ClinVar contains an entry for this variant (Variation ID: 2076782). Invitae Evidence Modeling of protein sequence and biophysical properties (such as structural, functional, and spatial information, amino acid conservation, physicochemical variation, residue mobility, and thermodynamic stability) indicates that this missense variant is not expected to disrupt POLA1 protein function with a negative predictive value of 80%. In summary, the available evidence is currently insufficient to determine the role of this variant in disease. Therefore, it has been classified as a Variant of Uncertain Significance.

Ambry Genetics
Classification: Uncertain significance for Inborn genetic diseases. Last evaluated: 2025-08-27. Review status: criteria provided, single submitter. Criteria: Ambry Variant Classification Scheme 2023. Collection method: clinical testing. Allele origin: germline.

CeGaT Center for Human Genetics Tuebingen
Classification: Likely benign. Last evaluated: 2025-07-01. Review status: criteria provided, single submitter. Criteria: CeGaT Center For Human Genetics Tuebingen Variant Classification Criteria Version 2. Collection method: clinical testing. Allele origin: germline. Affected: yes. Observed: 1 variant allele.
Comment: POLA1: BP4, BS2

Revvity Omics, Revvity
Classification: Uncertain significance. Last evaluated: 2021-03-03. Review status: criteria provided, single submitter. Criteria: ACMG Guidelines, 2015. Collection method: clinical testing. Allele origin: germline.

NM_001330360.2(POLA1):c.3728C>T (p.Thr1243Met)

Gene: POLA1 (DNA polymerase alpha 1, catalytic subunit; plus strand). Cytogenetic location: Xp22.11.
Variant type: single nucleotide variant.
Coding change: c.3728C>T on transcript NM_001330360.2 (MANE Select); coding-DNA position 3728, C replaced by T.
Protein change: p.Thr1243Met; replaces threonine 1243 with methionine.
Molecular consequence: missense variant. On other transcripts: non-coding transcript variant (2).
Genome position (GRCh38, 1-based): chrX:24,826,593, C>T. VCF-style: chrX-24826593-C-T. GRCh37 (hg19) VCF-style: chrX-24844710-C-T.
Other names: c.3710C>T (NM_016937.3); c.3653C>T, p.Thr1218Met (NM_001378303.1); c.3710C>T, p.Thr1237Met (NM_016937.4); short protein forms T1218M, T1237M, T1243M.
Identifiers: ClinVar variation 2076782 (VCV002076782.16), dbSNP rs759425597, ClinGen allele CA10373603.